The following is an entry in ClinVar:

NM_001134363.3(RBM20):c.902C>T (p.Ala301Val)

Gene: RBM20 (RNA binding motif protein 20; plus strand). Cytogenetic location: 10q25.2.
Variant type: single nucleotide variant.
Coding change: c.902C>T on transcript NM_001134363.3 (MANE Select); coding-DNA position 902, C replaced by T.
Protein change: p.Ala301Val; replaces alanine 301 with valine.
Molecular consequence: missense variant.
Genome position (GRCh38, 1-based): chr10:110,781,511, C>T. VCF-style: chr10-110781511-C-T. GRCh37 (hg19) VCF-style: chr10-112541269-C-T.
Other names: short protein forms A301V.
Identifiers: ClinVar variation 2903206 (VCV002903206.3), dbSNP rs761312854, ClinGen allele CA5688539.

ClinVar aggregate classification (germline): Uncertain significance (1 of 4 stars; one submission).

Conditions:
Dilated cardiomyopathy 1DD (CMD1DD). Identifiers: Orphanet 154, MedGen C2750995, MONDO:0013168, OMIM 613172.

Allele frequency attached by ClinVar (database versions not stated): gnomAD exomes below 0.00001; ExAC 0.00005.
gnomAD v4.1: 3 of 1,551,644 alleles (0.00019%); highest among the groups gnomAD compares: Non-Finnish European, 0.00026%; no homozygotes.

Submission:

Labcorp Genetics (formerly Invitae), Labcorp
Classification: Uncertain significance for Dilated cardiomyopathy 1DD. Last evaluated: 2023-06-23. Review status: criteria provided, single submitter. Criteria: Invitae Variant Classification Sherloc (09022015). Collection method: clinical testing. Allele origin: germline.
Comment: Advanced modeling of protein sequence and biophysical properties (such as structural, functional, and spatial information, amino acid conservation, physicochemical variation, residue mobility, and thermodynamic stability) performed at Invitae indicates that this missense variant is not expected to disrupt RBM20 protein function. In summary, the available evidence is currently insufficient to determine the role of this variant in disease. Therefore, it has been classified as a Variant of Uncertain Significance. This variant has not been reported in the literature in individuals affected with RBM20-related conditions. This variant is not present in population databases (gnomAD no frequency). This sequence change replaces alanine, which is neutral and non-polar, with valine, which is neutral and non-polar, at codon 301 of the RBM20 protein (p.Ala301Val).